The following is an entry in ClinVar:

ClinVar aggregate classification (germline): Uncertain significance (1 of 4 stars; one submission).

Conditions:
Periodic fever-infantile enterocolitis-autoinflammatory syndrome. Also called: Autoinflammation with infantile enterocolitis. Identifiers: Orphanet 436166, MedGen C4015067, MONDO:0014472, OMIM 616050.
Familial cold autoinflammatory syndrome 4 (FCAS4). Identifiers: Orphanet 47045, Orphanet 576349, MedGen C4015276, MONDO:0014498, OMIM 616115.

gnomAD v4.1: 2 of 1,614,184 alleles (0.00012%); highest among the groups gnomAD compares: Non-Finnish European, 0.00017%; no homozygotes.

Submission:

Labcorp Genetics (formerly Invitae), Labcorp
Classification: Uncertain significance for Periodic fever-infantile enterocolitis-autoinflammatory syndrome; Familial cold autoinflammatory syndrome 4. Last evaluated: 2024-09-14. Review status: criteria provided, single submitter. Criteria: Invitae Variant Classification Sherloc (09022015). Collection method: clinical testing. Allele origin: germline.
Comment: This sequence change replaces arginine, which is basic and polar, with threonine, which is neutral and polar, at codon 526 of the NLRC4 protein (p.Arg526Thr). This variant is not present in population databases (gnomAD no frequency). This variant has not been reported in the literature in individuals affected with NLRC4-related conditions. Invitae Evidence Modeling of protein sequence and biophysical properties (such as structural, functional, and spatial information, amino acid conservation, physicochemical variation, residue mobility, and thermodynamic stability) indicates that this missense variant is not expected to disrupt NLRC4 protein function with a negative predictive value of 80%. In summary, the available evidence is currently insufficient to determine the role of this variant in disease. Therefore, it has been classified as a Variant of Uncertain Significance.

NM_001199138.2(NLRC4):c.1577G>C (p.Arg526Thr)

Gene: NLRC4 (NLR family CARD domain containing 4; minus strand). Cytogenetic location: 2p22.3.
Variant type: single nucleotide variant.
Coding change: c.1577G>C on transcript NM_001199138.2 (MANE Select); coding-DNA position 1577, G replaced by C.
Protein change: p.Arg526Thr; replaces arginine 526 with threonine.
Molecular consequence: missense variant. On other transcripts: intron variant (1).
Genome position (GRCh38, 1-based): chr2:32,250,287, C>G on the plus strand (G>C on the coding strand, the complement: NLRC4 is on the minus strand). VCF-style: chr2-32250287-C-G. GRCh37 (hg19) VCF-style: chr2-32475356-C-G.
Other names: c.1577G>C, p.Arg526Thr (NM_001199139.2, NM_021209.5); c.262+2132G>C (NM_001302504.1); short protein forms R526T.
Identifiers: ClinVar variation 3750363 (VCV003750363.2).